The following is an entry in ClinVar:

NM_002242.4(KCNJ13):c.220C>G (p.Leu74Val)

Genes: GIGYF2 (GRB10 interacting GYF protein 2; plus strand), KCNJ13 (potassium inwardly rectifying channel subfamily J member 13; minus strand). Cytogenetic location: 2q37.1.
Variant type: single nucleotide variant.
Coding change: c.220C>G on transcript NM_002242.4 (MANE Select); coding-DNA position 220, C replaced by G.
Protein change: p.Leu74Val; replaces leucine 74 with valine.
Molecular consequence: missense variant. On other transcripts: 5 prime UTR variant (1), intron variant (4).
Genome position (GRCh38, 1-based): chr2:232,771,143, G>C on the plus strand (C>G on the coding strand, the complement: KCNJ13 is on the minus strand). VCF-style: chr2-232771143-G-C. GRCh37 (hg19) VCF-style: chr2-233635853-G-C.
Other names: c.220C>G, p.Leu74Val (NM_001172416.1); c.-21C>G (NM_001172417.1); c.532+9707G>C (NM_001103146.3, NM_015575.4, NM_001103148.2); c.533-5269G>C (NM_001103147.2); short protein forms L74V.
Identifiers: ClinVar variation 1720015 (VCV001720015.5), dbSNP rs2469813374, ClinGen allele CA351013909.

ClinVar aggregate classification (germline): Uncertain significance (1 of 4 stars; one submission).

Submission:

Labcorp Genetics (formerly Invitae), Labcorp
Classification: Uncertain significance. Last evaluated: 2022-09-22. Review status: criteria provided, single submitter. Criteria: Invitae Variant Classification Sherloc (09022015). Collection method: clinical testing. Allele origin: germline.
Comment: Advanced modeling of protein sequence and biophysical properties (such as structural, functional, and spatial information, amino acid conservation, physicochemical variation, residue mobility, and thermodynamic stability) performed at Invitae indicates that this missense variant is not expected to disrupt KCNJ13 protein function. This variant has not been reported in the literature in individuals affected with KCNJ13-related conditions. This variant is not present in population databases (gnomAD no frequency). This sequence change replaces leucine, which is neutral and non-polar, with valine, which is neutral and non-polar, at codon 74 of the KCNJ13 protein (p.Leu74Val). In summary, the available evidence is currently insufficient to determine the role of this variant in disease. Therefore, it has been classified as a Variant of Uncertain Significance.